The following is an entry in ClinVar:

NM_000492.4(CFTR):c.583C>G (p.Leu195Val)

Gene: CFTR (CF transmembrane conductance regulator; plus strand). Cytogenetic location: 7q31.2.
Variant type: single nucleotide variant.
Coding change: c.583C>G on transcript NM_000492.4 (MANE Select); coding-DNA position 583, C replaced by G.
Protein change: p.Leu195Val; replaces leucine 195 with valine.
Molecular consequence: missense variant.
Genome position (GRCh38, 1-based): chr7:117,535,251, C>G. VCF-style: chr7-117535251-C-G. GRCh37 (hg19) VCF-style: chr7-117175305-C-G.
Other names: short protein forms L195V.
Identifiers: ClinVar variation 4227423 (VCV004227423.1).
Genomic context (GRCh38, chr7:117,535,251, plus strand): 5'-GTTTCTAGGGGTGGAAGATACAATGACACCTGTTTTTGCTGTGCTTTTATTTTCCAGGGA[C>G]TTGCATTGGCACATTTCGTGTGGATCGCTCCTTTGCAAGTGGCACTCCTCATGGGGCTAA-3'
Protein context (NP_000483.3, residues 185-205): SNNLNKFDEG[Leu195Val]ALAHFVWIAP

ClinVar aggregate classification (germline): Uncertain significance (1 of 4 stars; one submission).

Conditions:
Cystic fibrosis (CF). Also called: MUCOVISCIDOSIS. Identifiers: Orphanet 586, MedGen C0010674, MONDO:0009061, OMIM 219700. Disease mechanism: loss of function.

Submission:

Ambry Genetics
Classification: Uncertain significance for Cystic fibrosis. Last evaluated: 2025-08-07. Review status: criteria provided, single submitter. Criteria: Ambry Variant Classification Scheme 2023. Collection method: clinical testing. Allele origin: germline.
Comment: The p.L195V variant (also known as c.583C>G), located in coding exon 6 of the CFTR gene, results from a C to G substitution at nucleotide position 583. The leucine at codon 195 is replaced by valine, an amino acid with highly similar properties. This amino acid position is conserved. In addition, this alteration is predicted to be deleterious by in silico analysis. Based on the available evidence, the clinical significance of this variant remains unclear.